The following continues an entry in ClinVar:

NM_000243.3(MEFV):c.2040G>A (p.Met680Ile)

ClinVar aggregate classification (germline): Pathogenic. Pathogenic (21).

Submission 28 of 28:

Dubai Health Genomic Medicine Center, Dubai Health
Classification: Pathogenic for Familial Mediterranean fever, autosomal dominant. Last evaluated: 2020-07-16. Review status: flagged submission. Criteria: ACMG Guidelines, 2015. Collection method: clinical testing. Allele origin: germline. Affected: yes. Not counted in ClinVar's aggregate classification.
Comment: The p.Met680Ile missense variant in MEFV has previously been reported in multiple studies in patients with familial Mediterranean fever (FMF)1–7. The p.Met680Ile variant is described as one of five founder mutations in the MEFV gene accounting for 91% of FMF chromosomes in patients of Jewish or Arab descent8. Other DNA variants (c.2040G>C c.2040G>T) leading to the same (p.Met680Ile) or a different (p.Met680Leu p.Met680Val) amino acid change at the same position have been reported in patients with FMF4 (Please add PMID: 10842288 28302131). In addition several nearby amino acid changes (p.Gly678Glu p.Thr681Ile p.Glu685Lys) have also been reported in association with FMF in the Human Gene Mutation Database (HGMD). Functional analysis showed that the p.Met680Ile variant reduced the protein binding activity (PMID: 16785446). This variant (c.2040G>A) was also identified in 2/113758 (0.002% 0 homozygotes) European Non-Finnish alleles in gnomAD. Fever abdominal pain and thoracic pain has been reported in >70% of M680I homozygotes and compound heterozygotes and in <50% of heterozygotes4. This variant has been reported as pathogenic by multiple laboratories in ClinVar. Therefore this variant meets our criteria to be classified as pathogenic for FMF. 1. I. Aksentijevich et al. Mutation and haplotype studies of familial Mediterranean fever reveal new ancestral relationships and evidence for a high carrier frequency with reduced penetrance in the Ashkenazi Jewish population. Am. J. Hum. Genet. 64 949–962 (1999). 2. G. Kriegshäuser et al. Clinical and genetic heterogeneity in a large cohort of Armenian patients with late-onset familial Mediterranean fever. Genet. Med. 20 1583–1588 (2018). 3. M. Bonyadi et al. MEFV mutations in Iranian Azeri Turkish patients with Familial Mediterranean fever. Clin. Genet. 76 477–480 (2009). 4. M. M. Moradian et al. Patient management and the association of less common familial Mediterranean fever symptoms with other disorders. Genet. Med. 16 258–63 (2014). 5. Z. Wu et al. Association between MEFV mutations M694V and M680I and Behçet’s disease: A meta-analysis. PLoS One. 10 (2015) doi:10.1371/journal.pone.0132704. 6. M. Esmaeili et al. Common MEFV mutations in Iranian Azeri Turkish patients with Behçet’s disease. Scand. J. Rheumatol. 40 383–6 (2011). 7. T. Tasliyurt S. Yigit A. Rustemoglu U. Gul O. Ates Common MEFV gene mutations in Turkish patients with Behcet’s disease. Gene. 530 100–3 (2013). 8. R. Gershoni-Baruch M. Shinawi K. Leah K. Badarnah R. Brik Familial mediterranean fever: Prevalence penetrance and genetic drift. Eur. J. Hum. Genet. 9 634–637 (2001).
ClinVar note: Reason: This record appears to be redundant with a more recent record from the same submitter.
ClinVar note: Notes: SCV001984411 appears to be redundant with SCV002818286.

Literature cited by the submitters: PubMed 9288758 (cited by Labcorp Genetics (formerly Invitae), Labcorp); PubMed 10090880 (cited by 8 submitters); PubMed 11977178 (cited by Labcorp Genetics (formerly Invitae), Labcorp and Quest Diagnostics Nichols Institute San Juan Capistrano); PubMed 21623663 (cited by Labcorp Genetics (formerly Invitae), Labcorp); PubMed 23907647 (cited by 5 submitters); PubMed 23973724 (cited by Labcorp Genetics (formerly Invitae), Labcorp); PubMed 29080837 (cited by Labcorp Genetics (formerly Invitae), Labcorp and Quest Diagnostics Nichols Institute San Juan Capistrano); PubMed 21600797 (cited by 3 submitters); PubMed 10842288 (cited by 3billion); PubMed 22975760 (cited by 3 submitters); PubMed 29543225 (cited by Mayo Clinic Laboratories, Mayo Clinic and Women's Health and Genetics/Laboratory Corporation of America, LabCorp); PubMed 32199921 (cited by Mayo Clinic Laboratories, Mayo Clinic); PubMed 32853466 (cited by Mayo Clinic Laboratories, Mayo Clinic); PubMed 33440462 (cited by Mayo Clinic Laboratories, Mayo Clinic); PubMed 33733382 (cited by Mayo Clinic Laboratories, Mayo Clinic); PubMed 36583259 (cited by Mayo Clinic Laboratories, Mayo Clinic); PubMed 36703223 (cited by Mayo Clinic Laboratories, Mayo Clinic); PubMed 32608308 (cited by Natera, Inc.); PubMed 10364520 (cited by Illumina Laboratory Services, Illumina and Counsyl); PubMed 10612841 (cited by Illumina Laboratory Services, Illumina); PubMed 10852276 (cited by Illumina Laboratory Services, Illumina); PubMed 11464248 (cited by Illumina Laboratory Services, Illumina and Counsyl); PubMed 11938447 (cited by Illumina Laboratory Services, Illumina and Counsyl); PubMed 16785446 (cited by Illumina Laboratory Services, Illumina and Counsyl); PubMed 17566872 (cited by Illumina Laboratory Services, Illumina); PubMed 18307385 (cited by Illumina Laboratory Services, Illumina); PubMed 19253030 (cited by Illumina Laboratory Services, Illumina); PubMed 20177433 (cited by Illumina Laboratory Services, Illumina); PubMed 23206577 (cited by Illumina Laboratory Services, Illumina); PubMed 23800337 (cited by Illumina Laboratory Services, Illumina); PubMed 25648235 (cited by Illumina Laboratory Services, Illumina); PubMed 26413094 (cited by Illumina Laboratory Services, Illumina); PubMed 26722138 (cited by Illumina Laboratory Services, Illumina); PubMed 26759267 (cited by Illumina Laboratory Services, Illumina); PubMed 32461654 (cited by Illumina Laboratory Services, Illumina); PubMed 19449169 (cited by Women's Health and Genetics/Laboratory Corporation of America, LabCorp); PubMed 19845843 (cited by Women's Health and Genetics/Laboratory Corporation of America, LabCorp); PubMed 21153919 (cited by Women's Health and Genetics/Laboratory Corporation of America, LabCorp); PubMed 29599418 (cited by Women's Health and Genetics/Laboratory Corporation of America, LabCorp); PubMed 15951859 (cited by Quest Diagnostics Nichols Institute San Juan Capistrano and Counsyl); PubMed 20669279 (cited by Counsyl); PubMed 10024914 (cited by Counsyl); PubMed 19863562 (cited by Counsyl); PubMed 10234504 (cited by Counsyl).